The following is an entry in ClinVar:

NM_001042376.3(INS-IGF2):c.155C>T (p.Pro52Leu)

Genes: INS-IGF2 (INS-IGF2 readthrough; minus strand), INS (insulin; minus strand). Cytogenetic location: 11p15.5.
Variant type: single nucleotide variant.
Coding change: c.155C>T on transcript NM_001042376.3; coding-DNA position 155, C replaced by T.
Protein change: p.Pro52Leu; replaces proline 52 with leucine.
Molecular consequence: missense variant. On other transcripts: non-coding transcript variant (1).
Genome position (GRCh38, 1-based): chr11:2,160,817, G>A on the plus strand (C>T on the coding strand, the complement: INS-IGF2 is on the minus strand). VCF-style: chr11-2160817-G-A. GRCh37 (hg19) VCF-style: chr11-2182047-G-A.
Other names: c.155C>T, p.Pro52Leu (NM_000207.3, NM_001185097.2, NM_001185098.2 and 1 more transcripts); short protein forms P52L.
Identifiers: ClinVar variation 931331 (VCV000931331.3), dbSNP rs145038693, ClinGen allele CA379121407.

ClinVar aggregate classification (germline): Pathogenic (1 of 4 stars; one submission).

Conditions:
Maturity-onset diabetes of the young type 10. Identifiers: Orphanet 552, MedGen C3150617, MONDO:0013240, OMIM 613370.

Submission:

Centre for Mendelian Genomics, University Medical Centre Ljubljana
Classification: Pathogenic for Maturity-onset diabetes of the young type 10. Last evaluated: 2020-01-10. Review status: criteria provided, single submitter. Criteria: ACMG Guidelines, 2015. Collection method: clinical testing. Allele origin: unknown. Affected: yes.
Comment: This variant was classified as: Pathogenic. The following ACMG criteria were applied in classifying this variant: PM1,PM2,PP2,PP3,PP4.